The following is an entry in ClinVar:

NM_002878.4(RAD51D):c.145-3C>T

Genes: RAD51L3-RFFL (RAD51L3-RFFL readthrough; minus strand), RAD51D (RAD51 paralog D; minus strand). Cytogenetic location: 17q12.
Variant type: single nucleotide variant.
Coding change: c.145-3C>T on transcript NM_002878.4 (MANE Select); 3 bases into the intron before coding-DNA position 145, C replaced by T.
Molecular consequence: intron variant.
Genome position (GRCh38, 1-based): chr17:35,118,622, G>A on the plus strand (C>T on the coding strand, the complement: RAD51D is on the minus strand). VCF-style: chr17-35118622-G-A. GRCh37 (hg19) VCF-style: chr17-33445641-G-A.
Other names: c.144+489C>T (NM_133629.3, NM_001142571.2).
Identifiers: ClinVar variation 492412 (VCV000492412.14), dbSNP rs201974522, ClinGen allele CA290006311.

ClinVar aggregate classification (germline): Conflicting classifications of pathogenicity. Review status: criteria provided, conflicting classifications (1 of 4 stars). 3 submissions from 3 submitters: Uncertain significance (2); Likely benign (1). Last evaluated 2024-11-19.

Conditions:
Hereditary cancer-predisposing syndrome. Also called: Hereditary neoplastic syndrome; Tumor predisposition; Hereditary Cancer Syndrome; Neoplastic Syndromes, Hereditary. Identifiers: Orphanet 140162, MedGen C0027672, MeSH D009386, MONDO:0015356.
Breast-ovarian cancer, familial, susceptibility to, 4. Identifiers: Orphanet 145, MedGen C3280345, MONDO:0013669, OMIM 614291.

Allele frequency attached by ClinVar (database versions not stated): gnomAD exomes below 0.00001 and 0.00001; gnomAD 0.00001; TOPMed 0.00001.

Submissions (3):

Ambry Genetics
Classification: Uncertain significance for Hereditary cancer-predisposing syndrome. Last evaluated: 2024-11-19. Review status: criteria provided, single submitter. Criteria: Ambry Variant Classification Scheme 2023. Collection method: clinical testing. Allele origin: germline.
Comment: The c.145-3C>T intronic variant results from a C to T substitution 3 nucleotides upstream from coding exon 3 in the RAD51D gene. This nucleotide position is well conserved in available vertebrate species. In silico splice site analysis predicts that this alteration will not have any significant effect on splicing. RNA studies have demonstrated that this alteration results in an incomplete splice defect involving exons excluded from naturally occurring transcripts; the clinical impact of this abnormal splicing is unknown at this time (Ambry internal data). Since supporting evidence is limited at this time, the clinical significance of this alteration remains unclear.

Labcorp Genetics (formerly Invitae), Labcorp
Classification: Uncertain significance for Breast-ovarian cancer, familial, susceptibility to, 4. Last evaluated: 2022-11-15. Review status: criteria provided, single submitter. Criteria: Invitae Variant Classification Sherloc (09022015). Collection method: clinical testing. Allele origin: germline.
Comment: ClinVar contains an entry for this variant (Variation ID: 492412). This variant has not been reported in the literature in individuals affected with RAD51D-related conditions. This variant is present in population databases (rs201974522, gnomAD 0.007%). This sequence change falls in intron 2 of the RAD51D gene. It does not directly change the encoded amino acid sequence of the RAD51D protein. It affects a nucleotide within the consensus splice site. In summary, the available evidence is currently insufficient to determine the role of this variant in disease. Therefore, it has been classified as a Variant of Uncertain Significance. Variants that disrupt the consensus splice site are a relatively common cause of aberrant splicing (PMID: 17576681, 9536098). Studies have shown this variant is associated with skipping of exon 3, but one or more of the resulting mRNA isoform(s) may be naturally occurring (PMID: 30623411; Invitae).

Color Diagnostics, LLC DBA Color Health
Classification: Likely benign for Hereditary cancer-predisposing syndrome. Last evaluated: 2017-04-24. Review status: criteria provided, single submitter. Criteria: ACMG Guidelines, 2015. Collection method: clinical testing. Allele origin: germline.

Literature cited by the submitters: PubMed 17576681 (cited by Labcorp Genetics (formerly Invitae), Labcorp); PubMed 9536098 (cited by Labcorp Genetics (formerly Invitae), Labcorp); PubMed 30623411 (cited by Labcorp Genetics (formerly Invitae), Labcorp).